The following is an entry in ClinVar:

NM_000264.5(PTCH1):c.2692G>C (p.Asp898His)

Gene: PTCH1 (patched 1; minus strand). Cytogenetic location: 9q22.32.
Variant type: single nucleotide variant.
Coding change: c.2692G>C on transcript NM_000264.5 (MANE Select); coding-DNA position 2692, G replaced by C.
Protein change: p.Asp898His; replaces aspartic acid 898 with histidine.
Molecular consequence: missense variant. On other transcripts: non-coding transcript variant (1).
Genome position (GRCh38, 1-based): chr9:95,461,867, C>G on the plus strand (G>C on the coding strand, the complement: PTCH1 is on the minus strand). VCF-style: chr9-95461867-C-G. GRCh37 (hg19) VCF-style: chr9-98224149-C-G.
Other names: c.2494G>C, p.Asp832His (NM_001083602.3); c.2689G>C, p.Asp897His (NM_001083603.3); c.2239G>C, p.Asp747His (NM_001083604.3, NM_001083605.3, NM_001083606.3 and 1 more transcripts); c.2536G>C, p.Asp846His (NM_001354918.2); short protein forms D747H, D832H, D897H, D846H, D898H.
Identifiers: ClinVar variation 2813924 (VCV002813924.3), dbSNP rs531947455, ClinGen allele CA374113301.

ClinVar aggregate classification (germline): Uncertain significance (1 of 4 stars; one submission).

Conditions:
Gorlin syndrome. Also called: Nevoid Basal Cell Carcinoma Syndrome; Basal cell nevus syndrome. Identifiers: Orphanet 377, MedGen C0004779, MONDO:0007187.

Submission:

Labcorp Genetics (formerly Invitae), Labcorp
Classification: Uncertain significance for Gorlin syndrome. Last evaluated: 2022-11-12. Review status: criteria provided, single submitter. Criteria: Invitae Variant Classification Sherloc (09022015). Collection method: clinical testing. Allele origin: germline.
Comment: In summary, the available evidence is currently insufficient to determine the role of this variant in disease. Therefore, it has been classified as a Variant of Uncertain Significance. Advanced modeling of protein sequence and biophysical properties (such as structural, functional, and spatial information, amino acid conservation, physicochemical variation, residue mobility, and thermodynamic stability) performed at Invitae indicates that this missense variant is not expected to disrupt PTCH1 protein function. This variant has not been reported in the literature in individuals affected with PTCH1-related conditions. This variant is not present in population databases (gnomAD no frequency). This sequence change replaces aspartic acid, which is acidic and polar, with histidine, which is basic and polar, at codon 898 of the PTCH1 protein (p.Asp898His).